The following is an entry in ClinVar:

ClinVar aggregate classification (germline): Uncertain significance (1 of 4 stars; one submission).

Conditions:
Fanconi anemia (FA). Also called: Fanconi's anemia. Identifiers: Orphanet 84, MedGen C0015625, MeSH D005199, MONDO:0019391.

Submission:

Labcorp Genetics (formerly Invitae), Labcorp
Classification: Uncertain significance for Fanconi anemia. Last evaluated: 2021-03-11. Review status: criteria provided, single submitter. Criteria: Invitae Variant Classification Sherloc (09022015). Collection method: clinical testing. Allele origin: germline.
Comment: This variant has not been reported in the literature in individuals with FANCA-related conditions. In summary, the available evidence is currently insufficient to determine the role of this variant in disease. Therefore, it has been classified as a Variant of Uncertain Significance. Advanced modeling of protein sequence and biophysical properties (such as structural, functional, and spatial information, amino acid conservation, physicochemical variation, residue mobility, and thermodynamic stability) performed at Invitae indicates that this missense variant is not expected to disrupt FANCA protein function. This variant is not present in population databases (ExAC no frequency). This sequence change replaces alanine with glycine at codon 283 of the FANCA protein (p.Ala283Gly). The alanine residue is weakly conserved and there is a small physicochemical difference between alanine and glycine.

NM_000135.4(FANCA):c.848C>G (p.Ala283Gly)

Gene: FANCA (FA complementation group A; minus strand). Cytogenetic location: 16q24.3.
Variant type: single nucleotide variant.
Coding change: c.848C>G on transcript NM_000135.4 (MANE Select); coding-DNA position 848, C replaced by G.
Protein change: p.Ala283Gly; replaces alanine 283 with glycine.
Molecular consequence: missense variant.
Genome position (GRCh38, 1-based): chr16:89,799,211, G>C on the plus strand (C>G on the coding strand, the complement: FANCA is on the minus strand). VCF-style: chr16-89799211-G-C. GRCh37 (hg19) VCF-style: chr16-89865619-G-C.
Other names: c.848C>G, p.Ala283Gly (NM_001018112.3, NM_001286167.3); c.752C>G, p.Ala251Gly (NM_001351830.2); short protein forms A251G, A283G.
Identifiers: ClinVar variation 1514515 (VCV001514515.8), dbSNP rs770479721, ClinGen allele CA397473065.